The following is an entry in ClinVar:

ClinVar aggregate classification (germline): Uncertain significance (1 of 4 stars; one submission).

gnomAD v4.1: 2 of 1,584,710 alleles (0.00013%); highest among the groups gnomAD compares: Non-Finnish European, 0.00017%; no homozygotes.

Submission:

Labcorp Genetics (formerly Invitae), Labcorp
Classification: Uncertain significance. Last evaluated: 2024-08-26. Review status: criteria provided, single submitter. Criteria: Invitae Variant Classification Sherloc (09022015). Collection method: clinical testing. Allele origin: germline.
Comment: This sequence change replaces proline, which is neutral and non-polar, with leucine, which is neutral and non-polar, at codon 626 of the CACNA1G protein (p.Pro626Leu). This variant is not present in population databases (gnomAD no frequency). This variant has not been reported in the literature in individuals affected with CACNA1G-related conditions. Invitae Evidence Modeling of protein sequence and biophysical properties (such as structural, functional, and spatial information, amino acid conservation, physicochemical variation, residue mobility, and thermodynamic stability) has been performed for this missense variant. However, the output from this modeling did not meet the statistical confidence thresholds required to predict the impact of this variant on CACNA1G protein function. In summary, the available evidence is currently insufficient to determine the role of this variant in disease. Therefore, it has been classified as a Variant of Uncertain Significance.

NM_018896.5(CACNA1G):c.1877C>T (p.Pro626Leu)

Gene: CACNA1G (calcium voltage-gated channel subunit alpha1 G; plus strand). Cytogenetic location: 17q21.33.
Variant type: single nucleotide variant.
Coding change: c.1877C>T on transcript NM_018896.5 (MANE Select); coding-DNA position 1877, C replaced by T.
Protein change: p.Pro626Leu; replaces proline 626 with leucine.
Molecular consequence: missense variant. On other transcripts: non-coding transcript variant (5).
Genome position (GRCh38, 1-based): chr17:50,576,279, C>T. VCF-style: chr17-50576279-C-T. GRCh37 (hg19) VCF-style: chr17-48653640-C-T.
Other names: c.1877C>T, p.Pro626Leu (NM_001256324.2, NM_001256325.2, NM_001256326.2 and 24 more transcripts); short protein forms P626L.
Identifiers: ClinVar variation 3634740 (VCV003634740.2).